The following is an entry in ClinVar:

ClinVar aggregate classification (germline): Likely benign (1 of 4 stars; one submission).

Allele frequency attached by ClinVar (database versions not stated): ESP Exome Variant Server 0.00008; gnomAD exomes 0.00015; gnomAD 0.00016; TOPMed 0.00019; ExAC 0.00031.
gnomAD v4.1: 259 of 1,608,908 alleles (0.016%); highest among the groups gnomAD compares: Non-Finnish European, 0.0014%; no homozygotes.

Submission:

CeGaT Center for Human Genetics Tuebingen
Classification: Likely benign. Last evaluated: 2022-09-01. Review status: criteria provided, single submitter. Criteria: CeGaT Center For Human Genetics Tuebingen Variant Classification Criteria Version 2. Collection method: clinical testing. Allele origin: germline. Affected: yes. Observed: 1 variant allele.
Comment: MUC5B: BP4, BP7

NM_002458.3(MUC5B):c.4264C>T (p.Leu1422=)

Gene: MUC5B (mucin 5B, oligomeric mucus/gel-forming; plus strand). Cytogenetic location: 11p15.5.
Variant type: single nucleotide variant.
Coding change: c.4264C>T on transcript NM_002458.3 (MANE Select); coding-DNA position 4264, C replaced by T.
Protein change: p.Leu1422=; no amino-acid change (leucine 1422 retained).
Molecular consequence: synonymous variant.
Genome position (GRCh38, 1-based): chr11:1,241,144, C>T. VCF-style: chr11-1241144-C-T. GRCh37 (hg19) VCF-style: chr11-1262374-C-T.
Identifiers: ClinVar variation 2641198 (VCV002641198.24), dbSNP rs200541846, ClinGen allele CA5805377.
Genomic context (GRCh38, chr11:1,241,144, plus strand): 5'-ATGCGGGGGCTGATGTGCGCCAACAGCCAACAGAGTCCCCCGCTCTGTCACGACTACGAG[C>T]TGCGGGTTCTCTGCTGCGAATACGTGCCCTGTGGCCCCTCCCCGGCCCCAGGCACCAGCC-3'
Protein context (NP_002449.2, residues 1412-1432): QSPPLCHDYE[Leu1422=]RVLCCEYVPC